The following is an entry in ClinVar:

ClinVar aggregate classification (germline): Likely benign (1 of 4 stars; one submission).

Conditions:
NPNT-related condition.

Submission:

PreventionGenetics, part of Exact Sciences
Classification: Likely benign for NPNT-related condition. Last evaluated: 2025-03-15. Review status: criteria provided, single submitter. Criteria: ACMG Guidelines, 2015. Collection method: clinical testing. Allele origin: germline.
Comment: This variant is classified as likely benign based on ACMG/AMP sequence variant interpretation guidelines (Richards et al. 2015 PMID: 25741868, with internal and published modifications).

NM_001033047.3(NPNT):c.448C>T (p.Arg150Trp)

Gene: NPNT (nephronectin; plus strand). Cytogenetic location: 4q24.
Variant type: single nucleotide variant.
Coding change: c.448C>T on transcript NM_001033047.3 (MANE Select); coding-DNA position 448, C replaced by T.
Protein change: p.Arg150Trp; replaces arginine 150 with tryptophan.
Molecular consequence: missense variant.
Genome position (GRCh38, 1-based): chr4:105,938,363, C>T. VCF-style: chr4-105938363-C-T. GRCh37 (hg19) VCF-style: chr4-106859520-C-T.
Other names: c.499C>T, p.Arg167Trp (NM_001184690.2); c.538C>T, p.Arg180Trp (NM_001184691.2, NM_001184693.2); c.448C>T, p.Arg150Trp (NM_001184692.2); short protein forms R150W, R167W, R180W.
Identifiers: ClinVar variation 4983371 (VCV004983371.1).